The following is an entry in ClinVar:

NM_001844.5(COL2A1):c.3590G>A (p.Gly1197Asp)

Gene: COL2A1 (collagen type II alpha 1 chain; minus strand). Cytogenetic location: 12q13.11.
Variant type: single nucleotide variant.
Coding change: c.3590G>A on transcript NM_001844.5 (MANE Select); coding-DNA position 3590, G replaced by A.
Protein change: p.Gly1197Asp; replaces glycine 1197 with aspartic acid.
Molecular consequence: missense variant.
Genome position (GRCh38, 1-based): chr12:47,975,970, C>T on the plus strand (G>A on the coding strand, the complement: COL2A1 is on the minus strand). VCF-style: chr12-47975970-C-T. GRCh37 (hg19) VCF-style: chr12-48369753-C-T.
Other names: c.3383G>A, p.Gly1128Asp (NM_033150.3); short protein forms G1128D, G1197D.
Identifiers: ClinVar variation 3776353 (VCV003776353.2).

ClinVar aggregate classification (germline): Pathogenic (1 of 4 stars; one submission).

Submission:

GeneDx
Classification: Pathogenic. Last evaluated: 2025-05-09. Review status: criteria provided, single submitter. Criteria: GeneDx Variant Classification Process June 2021. Collection method: clinical testing. Allele origin: germline.
Comment: Occurs in the triple helical domain and replaces a glycine in a canonical Gly-X-Y repeat; missense substitution of a canonical glycine residue is expected to disrupt normal protein folding and function, and this is an established mechanism of disease (PMID: 34007986); Not observed at significant frequency in large population cohorts (gnomAD); In silico analysis supports that this missense variant has a deleterious effect on protein structure/function; Has not been previously published as pathogenic or benign to our knowledge; This variant is associated with the following publications: (PMID: 34007986)